The following is an entry in ClinVar:

NM_001009944.3(PKD1):c.5911G>A (p.Val1971Met)

Gene: PKD1 (polycystin 1, transient receptor potential channel interacting; minus strand). Cytogenetic location: 16p13.3.
Variant type: single nucleotide variant.
Coding change: c.5911G>A on transcript NM_001009944.3 (MANE Select); coding-DNA position 5911, G replaced by A.
Protein change: p.Val1971Met; replaces valine 1971 with methionine.
Molecular consequence: missense variant.
Genome position (GRCh38, 1-based): chr16:2,109,256, C>T on the plus strand (G>A on the coding strand, the complement: PKD1 is on the minus strand). VCF-style: chr16-2109256-C-T. GRCh37 (hg19) VCF-style: chr16-2159257-C-T.
Other names: c.5911G>A, p.Val1971Met (NM_000296.4); short protein forms V1971M.
Identifiers: ClinVar variation 1312137 (VCV001312137.5), dbSNP rs140434415, ClinGen allele CA7831803.
Genomic context (GRCh38, chr16:2,109,256, plus strand): 5'-TCCTCTCAGTGCCCGTGGCGATGCCAGGCTCGCAGCAGTTGGGCACCTGCAGCCCACTCA[C>T]GGCCTCCAGCACCACGATGCGCACCTGCGCCTGGGCCCAGCTCACGTGGTTTTTGCCCCG-3'
Protein context (NP_001009944.3, residues 1961-1981): AQVRIVVLEA[Val1971Met]SGLQVPNCCE

ClinVar aggregate classification (germline): Uncertain significance. Review status: criteria provided, multiple submitters, no conflicts (2 of 4 stars). 4 submissions from 4 submitters: Uncertain significance (4). Last evaluated 2024-10-24.

Conditions:
PKD1-related disorder. Also called: PKD1-related condition.
Polycystic kidney disease, adult type (PKD1). Also called: POLYCYSTIC KIDNEY DISEASE, ADULT, TYPE I; Polycystic Kidney Disease 1, Autosomal Dominant; Polycystic kidney disease 1; Polycystic kidney disease 1, severe; Polycystic Kidney, Autosomal Dominant; POLYCYSTIC KIDNEY DISEASE 1 WITH OR WITHOUT POLYCYSTIC LIVER DISEASE. Identifiers: MedGen C3149841, MONDO:0008263, OMIM 173900.

Allele frequency attached by ClinVar (database versions not stated): gnomAD 0.00003 and 0.00004; gnomAD exomes 0.00006; ExAC 0.00011; ESP Exome Variant Server 0.00016.
gnomAD v4.1: 44 of 1,585,134 alleles (0.0028%); highest among the groups gnomAD compares: Non-Finnish European, 0.0038%; no homozygotes.

Submissions (4):

PreventionGenetics, part of Exact Sciences
Classification: Uncertain significance for PKD1-related condition. Last evaluated: 2024-10-24. Review status: criteria provided, single submitter. Criteria: ACMG Guidelines, 2015. Collection method: clinical testing. Allele origin: germline.
Comment: The PKD1 c.5911G>A variant is predicted to result in the amino acid substitution p.Val1971Met. This variant has been reported in two siblings with perinatal-onset cystic kidney disease and has been suggested to be a hypomorphic allele for autosomal dominant polycystic kidney disease (ADPKD) (Gulati et al. 2023. PubMed ID: 36706243). This type of variant alone in PKD1 probably does not cause ADPKD, but it may act as a hypomorphic allele or modifier to contribute to the disease severity when present in trans with a typical pathogenic or milder PKD1 variant. This variant is reported in 0.013% of alleles in individuals of European (Non-Finnish) descent in gnomAD. At this time, the clinical significance of this variant is uncertain due to the absence of conclusive functional and genetic evidence.

Blueprint Genetics
Classification: Uncertain significance. Last evaluated: 2022-05-23. Review status: criteria provided, single submitter. Criteria: ACMG Guidelines, 2015. Collection method: clinical testing. Allele origin: germline.

Department of Pathology and Laboratory Medicine, Sinai Health System
Classification: Uncertain significance for Polycystic kidney disease, adult type. Last evaluated: 2021-06-24. Review status: criteria provided, single submitter. Criteria: ACMG Guidelines, 2015. Collection method: clinical testing. Allele origin: germline. Affected: yes.

GeneDx
Classification: Uncertain significance. Last evaluated: 2019-09-30. Review status: criteria provided, single submitter. Criteria: GeneDx Variant Classification Process June 2021. Collection method: clinical testing. Allele origin: germline. Affected: yes.
Comment: In silico analysis, which includes protein predictors and evolutionary conservation, supports that this variant does not alter protein structure/function; Has not been previously published as pathogenic or benign to our knowledge